The following is an entry in ClinVar:

ClinVar aggregate classification (germline): Uncertain significance (1 of 4 stars; one submission).

Conditions:
Bardet-Biedl syndrome (BBS). Identifiers: Orphanet 110, MedGen C0752166, MONDO:0015229.

Submission:

Labcorp Genetics (formerly Invitae), Labcorp
Classification: Uncertain significance for Bardet-Biedl syndrome. Last evaluated: 2024-06-30. Review status: criteria provided, single submitter. Criteria: Invitae Variant Classification Sherloc (09022015). Collection method: clinical testing. Allele origin: germline.
Comment: This sequence change replaces aspartic acid, which is acidic and polar, with glutamic acid, which is acidic and polar, at codon 578 of the BBS7 protein (p.Asp578Glu). This variant is not present in population databases (gnomAD no frequency). This variant has not been reported in the literature in individuals affected with BBS7-related conditions. Advanced modeling of protein sequence and biophysical properties (such as structural, functional, and spatial information, amino acid conservation, physicochemical variation, residue mobility, and thermodynamic stability) performed at Invitae indicates that this missense variant is not expected to disrupt BBS7 protein function with a negative predictive value of 80%. In summary, the available evidence is currently insufficient to determine the role of this variant in disease. Therefore, it has been classified as a Variant of Uncertain Significance.

NM_176824.3(BBS7):c.1734T>A (p.Asp578Glu)

Gene: BBS7 (Bardet-Biedl syndrome 7; minus strand). Cytogenetic location: 4q27.
Variant type: single nucleotide variant.
Coding change: c.1734T>A on transcript NM_176824.3 (MANE Select); coding-DNA position 1734, T replaced by A.
Protein change: p.Asp578Glu; replaces aspartic acid 578 with glutamic acid.
Molecular consequence: missense variant.
Genome position (GRCh38, 1-based): chr4:121,828,671, A>T on the plus strand (T>A on the coding strand, the complement: BBS7 is on the minus strand). VCF-style: chr4-121828671-A-T. GRCh37 (hg19) VCF-style: chr4-122749826-A-T.
Other names: c.1734T>A, p.Asp578Glu (NM_018190.4); short protein forms D578E.
Identifiers: ClinVar variation 3658292 (VCV003658292.2).